The following is an entry in ClinVar:

NM_001348716.2(KDM6B):c.660G>A (p.Glu220=)

Gene: KDM6B (lysine demethylase 6B; plus strand). Cytogenetic location: 17p13.1.
Variant type: single nucleotide variant.
Coding change: c.660G>A on transcript NM_001348716.2 (MANE Select); coding-DNA position 660, G replaced by A.
Protein change: p.Glu220=; no amino-acid change (glutamic acid 220 retained).
Molecular consequence: synonymous variant.
Genome position (GRCh38, 1-based): chr17:7,846,689, G>A. VCF-style: chr17-7846689-G-A. GRCh37 (hg19) VCF-style: chr17-7750007-G-A.
Other names: c.660G>A, p.Glu220= (NM_001080424.2).
Identifiers: ClinVar variation 5041152 (VCV005041152.1).

ClinVar aggregate classification (germline): Likely benign (1 of 4 stars; one submission).

Submission:

CeGaT Center for Human Genetics Tuebingen
Classification: Likely benign. Last evaluated: 2026-09-01. Review status: criteria provided, single submitter. Criteria: CeGaT Center For Human Genetics Tuebingen Variant Classification Criteria Version 2. Collection method: clinical testing. Allele origin: germline. Affected: yes. Observed: 1 variant allele.
Comment: KDM6B: BP4, BP7